The following is an entry in ClinVar:

ClinVar aggregate classification (germline): Likely benign. Review status: criteria provided, multiple submitters, no conflicts (2 of 4 stars). 3 submissions from 3 submitters: Likely benign (3). Last evaluated 2026-01-28.

Allele frequency attached by ClinVar (database versions not stated): gnomAD 0.00002; gnomAD exomes 0.00002 and 0.00004; TOPMed 0.00002; ExAC 0.00003.
gnomAD v4.1: 56 of 1,614,052 alleles (0.0035%); highest among the groups gnomAD compares: Non-Finnish European, 0.0047%; no homozygotes.

Submissions (3):

Labcorp Genetics (formerly Invitae), Labcorp
Classification: Likely benign. Last evaluated: 2026-01-28. Review status: criteria provided, single submitter. Criteria: Invitae Variant Classification Sherloc (09022015). Collection method: clinical testing. Allele origin: germline.

CeGaT Center for Human Genetics Tuebingen
Classification: Likely benign. Last evaluated: 2024-08-01. Review status: criteria provided, single submitter. Criteria: CeGaT Center For Human Genetics Tuebingen Variant Classification Criteria Version 2. Collection method: clinical testing. Allele origin: germline. Affected: yes. Observed: 1 variant allele.
Comment: OTOF: BP4, BP7

Laboratory for Molecular Medicine, Mass General Brigham Personalized Medicine
Classification: Likely benign. Last evaluated: 2016-06-30. Review status: criteria provided, single submitter. Criteria: LMM Criteria. Collection method: clinical testing. Allele origin: germline. Observed: 1 variant allele.
Comment: p.Ser177Ser in Exon 6 of OTOF: This variant is not expected to have clinical sig nificance because it does not alter an amino acid residue and is not located wit hin the splice consensus sequence. It has been identified in 4/66690 European ch romosomes by the Exome Aggregation Consortium (ExAC. org; dbSNP rs765620419).

NM_194248.3(OTOF):c.531C>T (p.Ser177=)

Genes: OTOF (otoferlin; minus strand), LOC129933336 (ATAC-STARR-seq lymphoblastoid silent region 11274; plus strand). Cytogenetic location: 2p23.3.
Variant type: single nucleotide variant.
Coding change: c.531C>T on transcript NM_194248.3 (MANE Select); coding-DNA position 531, C replaced by T.
Protein change: p.Ser177=; no amino-acid change (serine 177 retained).
Molecular consequence: synonymous variant.
Genome position (GRCh38, 1-based): chr2:26,503,824, G>A on the plus strand (C>T on the coding strand, the complement: OTOF is on the minus strand). VCF-style: chr2-26503824-G-A. GRCh37 (hg19) VCF-style: chr2-26726692-G-A.
Other names: c.531C>T, p.Ser177= (NM_001287489.2).
Identifiers: ClinVar variation 505183 (VCV000505183.29), dbSNP rs765620419, ClinGen allele CA1564610.
Genomic context (GRCh38, chr2:26,503,824, plus strand): 5'-TGTCCTACCTGGTCTTTGGGGCTCCTCCTTGTGAGACCGGTTTTTGCCGAGCTTCATGGC[G>A]GAGAACACGCTCCTCCCGGCTCTGTGAGGGGGGCCACCAGAATGAGGTGCAGGGAGAGGG-3'
Protein context (NP_919224.1, residues 167-187): SFRRAGRSVF[Ser177=]AMKLGKNRSH